The following is an entry in ClinVar:

NM_000232.5(SGCB):c.236_240delinsTAAATTGATATTAAAT (p.Asn79_Leu80delinsIleAsnTer)

Gene: SGCB (sarcoglycan beta; minus strand). Cytogenetic location: 4q12.
Variant type: Indel.
Coding change: c.236_240delinsTAAATTGATATTAAAT on transcript NM_000232.5 (MANE Select); coding-DNA positions 236 to 240, ATTTA replaced by TAAATTGATATTAAAT.
Protein change: p.Asn79_Leu80delinsIleAsnTer.
Molecular consequence: nonsense. On other transcripts: 5 prime UTR variant (1), intron variant (1).
Genome position (GRCh38, 1-based): chr4:52,033,434-52,033,438, TAAAT replaced by ATTTAATATCAATTTA on the plus strand (ATTTA replaced by TAAATTGATATTAAAT on the coding strand, the reverse complement: SGCB is on the minus strand). VCF-style: chr4-52033434-TAAAT-ATTTAATATCAATTTA. GRCh37 (hg19) VCF-style: chr4-52899600-TAAAT-ATTTAATATCAATTTA.
Other names: c.-172_-168delinsTAAATTGATATTAAAT (NM_001440520.1); c.34-3575_34-3571delinsTAAATTGATATTAAAT (NM_001440519.1).
Identifiers: ClinVar variation 5015649 (VCV005015649.1).
Genomic context (GRCh38, chr4:52,033,434, plus strand): 5'-AAAGCAGATAAAAAATTCCCCATGGCAATTAAAATGAGTATTCTTACAAATACTCACTAT[TAAAT>ATTTAATATCAATTTA]TGATGACAGCCAGGATAAACAAGAGGATAATCACACAGATGGCTAAATTGCCCTTTCTTC-3'

ClinVar aggregate classification (germline): Pathogenic (1 of 4 stars; one submission).

Conditions:
Autosomal recessive limb-girdle muscular dystrophy type 2E (LGMDR4). Also called: MUSCULAR DYSTROPHY, LIMB-GIRDLE, AUTOSOMAL RECESSIVE 4. Identifiers: Orphanet 119, MedGen C1858593, MONDO:0011423, OMIM 604286. Disease mechanism: Affects gamma-sarcoglycan and also disrupts the integrity of the entire sarcoglycan complex..

Submission:

Myriad Genetics, Inc.
Classification: Pathogenic for Autosomal recessive limb-girdle muscular dystrophy type 2E. Last evaluated: 2026-03-06. Review status: criteria provided, single submitter. Criteria: Myriad Autosomal Dominant, Autosomal Recessive and X-Linked Classification Criteria (2023). Collection method: clinical testing. Allele origin: unknown.
Comment: NM_000232.4(SGCB):c.236_240del5ins16(N79Ifs*3) is expected to be pathogenic in the context of beta-sarcoglycanopathy. This variant is predicted to lead to an abnormal or absent protein product due to the creation of a premature termination codon in SGCB, a gene where loss-of-function variants are known to be pathogenic. Please note: this variant was assessed in the context of healthy population screening.